The following is an entry in ClinVar:

NM_020975.6(RET):c.3187+12C>T

Gene: RET (ret proto-oncogene; plus strand). Cytogenetic location: 10q11.21.
Variant type: single nucleotide variant.
Coding change: c.3187+12C>T on transcript NM_020975.6 (MANE Select); 12 bases into the intron after coding-DNA position 3187, C replaced by T.
Molecular consequence: intron variant. On other transcripts: missense variant (18).
Genome position (GRCh38, 1-based): chr10:43,126,734, C>T. VCF-style: chr10-43126734-C-T. GRCh37 (hg19) VCF-style: chr10-43622182-C-T.
Other names: c.2437C>T, p.His813Tyr (NM_001355216.2); c.3070C>T, p.His1024Tyr (NM_001406764.1); c.3064C>T, p.His1022Tyr (NM_001406765.1); c.2935C>T, p.His979Tyr (NM_001406768.1); c.2911C>T, p.His971Tyr (NM_001406770.1); c.2803C>T, p.His935Tyr (NM_001406772.1); c.2761C>T, p.His921Tyr (NM_001406773.1); c.2674C>T, p.His892Tyr (NM_001406774.1); and 10 more; short protein forms H1067Y, H813Y, H584Y, H632Y, H672Y, H737Y, H768Y, H725Y.
Identifiers: ClinVar variation 1561653 (VCV001561653.12), dbSNP rs897706317, ClinGen allele CA206267867.

ClinVar aggregate classification (germline): Conflicting classifications of pathogenicity. Review status: criteria provided, conflicting classifications (1 of 4 stars). 4 submissions from 4 submitters: Uncertain significance (2); Likely benign (2). Last evaluated 2026-07-02.

Conditions:
Multiple endocrine neoplasia, type 2 (MEN2). Identifiers: Orphanet 653, MedGen C4048306, MONDO:0019003. Disease mechanism: gain of function.
Hereditary cancer-predisposing syndrome. Also called: Hereditary neoplastic syndrome; Neoplastic Syndromes, Hereditary; Tumor predisposition; Hereditary Cancer Syndrome. Identifiers: Orphanet 140162, MedGen C0027672, MeSH D009386, MONDO:0015356.
Multiple endocrine neoplasia type 2B. Also called: WAGENMANN-FROBOESE SYNDROME; MULTIPLE ENDOCRINE NEOPLASIA, TYPE III; MEN 2B; Multiple endocrine neoplasia, type 3; MULTIPLE ENDOCRINE NEOPLASIA, TYPE IIB; MEN IIB. Identifiers: Orphanet 247709, Orphanet 653, MedGen C0025269, MeSH D018814, MONDO:0008082, OMIM 162300.
Multiple endocrine neoplasia type 2A. Also called: MULTIPLE ENDOCRINE NEOPLASIA, TYPE IIA; PTC SYNDROME; SIPPLE SYNDROME; MEN 2A; MEN-2A syndrome; Pheochromocytoma and amyloid producing medullary thyroid carcinoma. Identifiers: Orphanet 247698, Orphanet 653, MedGen C0025268, MeSH D018813, MONDO:0008234, OMIM 171400.
Pheochromocytoma. Also called: MAX-Related Hereditary Paraganglioma-Pheochromocytoma Syndrome. Identifiers: Orphanet 29072, MedGen C0031511, MONDO:0008233, OMIM 171300, HP:0002666.
Familial medullary thyroid carcinoma (MTC). Also called: Thyroid cancer, familial medullary; MTC, familial; Familial Medullary Thyroid Carcinoma (FMTC). Identifiers: Orphanet 653, Orphanet 99361, MedGen C1833921, MONDO:0007958, OMIM 155240.
Hirschsprung disease, susceptibility to, 1 (HSCR1). Also called: RET-Related Hirschsprung Disease. Identifiers: Orphanet 388, MedGen C3888239, MONDO:0007723, OMIM 142623.

Allele frequency attached by ClinVar (database versions not stated): TOPMed 0.00001.
gnomAD v4.1: 10 of 1,613,724 alleles (0.00062%); highest among the groups gnomAD compares: Non-Finnish European, 0.00085%; no homozygotes.

Submissions (4):

Ambry Genetics
Classification: Uncertain significance for Hereditary cancer-predisposing syndrome. Last evaluated: 2026-07-02. Review status: criteria provided, single submitter. Criteria: Ambry Variant Classification Scheme 2023. Collection method: clinical testing. Allele origin: germline.
Comment: The p.H1067Y variant (also known as c.3199C>T), located in coding exon 19 of the RET gene, results from a C to T substitution at nucleotide position 3199. The histidine at codon 1067 is replaced by tyrosine, an amino acid with similar properties. This amino acid position is conserved. In addition, the in silico prediction for this alteration is inconclusive. Based on the available evidence, the clinical significance of this variant remains unclear.

Labcorp Genetics (formerly Invitae), Labcorp
Classification: Likely benign for Multiple endocrine neoplasia, type 2. Last evaluated: 2025-11-12. Review status: criteria provided, single submitter. Criteria: Invitae Variant Classification Sherloc (09022015). Collection method: clinical testing. Allele origin: germline.

Women's Health and Genetics/Laboratory Corporation of America, LabCorp
Classification: Likely benign. Last evaluated: 2024-12-12. Review status: criteria provided, single submitter. Criteria: LabCorp Variant Classification Summary - May 2015. Collection method: clinical testing. Allele origin: germline.

Fulgent Genetics
Classification: Uncertain significance for Hirschsprung disease, susceptibility to, 1; Familial medullary thyroid carcinoma; Multiple endocrine neoplasia type 2B; Pheochromocytoma; Multiple endocrine neoplasia type 2A. Last evaluated: 2024-01-16. Review status: criteria provided, single submitter. Criteria: ACMG Guidelines, 2015. Collection method: clinical testing. Allele origin: germline.